The following is an entry in ClinVar:

NM_014028.4(OSTM1):c.156G>C (p.Leu52Phe)

Gene: OSTM1 (osteoclastogenesis associated transmembrane protein 1; minus strand). Cytogenetic location: 6q21.
Variant type: single nucleotide variant.
Coding change: c.156G>C on transcript NM_014028.4 (MANE Select); coding-DNA position 156, G replaced by C.
Protein change: p.Leu52Phe; replaces leucine 52 with phenylalanine.
Molecular consequence: missense variant.
Genome position (GRCh38, 1-based): chr6:108,074,496, C>G on the plus strand (G>C on the coding strand, the complement: OSTM1 is on the minus strand). VCF-style: chr6-108074496-C-G. GRCh37 (hg19) VCF-style: chr6-108395700-C-G.
Other names: short protein forms L52F.
Identifiers: ClinVar variation 354990 (VCV000354990.13), dbSNP rs9480830, ClinGen allele CA3948127.

ClinVar aggregate classification (germline): Benign. Review status: criteria provided, multiple submitters, no conflicts (2 of 4 stars). 2 submissions from 2 submitters: Benign (2). Last evaluated 2026-02-02.

Conditions:
Autosomal recessive osteopetrosis 5. Identifiers: Orphanet 85179, MedGen C1968603, MONDO:0009817, OMIM 259720.

Allele frequency attached by ClinVar (database versions not stated): gnomAD exomes 0.00407 and 0.00836; ExAC 0.01963; ESP Exome Variant Server 0.02520; gnomAD 0.02794 and 0.02937; TOPMed 0.02997; 1000 Genomes Project 0.03115; 1000 Genomes Project 30x 0.03326.
gnomAD v4.1: 10,210 of 1,558,518 alleles (0.66%); highest among the groups gnomAD compares: African/African-American, 9%; 318 homozygotes.

Submissions (2):

Labcorp Genetics (formerly Invitae), Labcorp
Classification: Benign. Last evaluated: 2026-02-02. Review status: criteria provided, single submitter. Criteria: Invitae Variant Classification Sherloc (09022015). Collection method: clinical testing. Allele origin: germline.

Illumina Laboratory Services, Illumina
Classification: Benign for Autosomal recessive osteopetrosis 5. Last evaluated: 2018-01-12. Review status: criteria provided, single submitter. Criteria: ICSL Variant Classification Criteria 13 December 2019. Collection method: clinical testing. Allele origin: germline.
Comment: This variant was observed in the ICSL laboratory as part of a predisposition screen in an ostensibly healthy population. It had not been previously curated by ICSL or reported in the Human Gene Mutation Database (HGMD: prior to June 1st, 2018), and was therefore a candidate for classification through an automated scoring system. Utilizing variant allele frequency, disease prevalence and penetrance estimates, and inheritance mode, an automated score was calculated to assess if this variant is too frequent to cause the disease. Based on the score and internal cut-off values, a variant classified as benign is not then subjected to further curation. The score for this variant resulted in a classification of benign for this disease.